The following is an entry in ClinVar:

ClinVar aggregate classification (germline): no classifications from unflagged records (0 of 4 stars; one submission).

Conditions:
Neurodevelopmental disorder. Identifiers: MedGen C1535926, MeSH D065886, MONDO:0700092.

Submission:

Rare Disease Group, Clinical Genetics, Karolinska Institutet
Classification: Uncertain significance for Neurodevelopmental disorder. Last evaluated: 2019-04-09. Review status: flagged submission. Criteria: ACMG Guidelines, 2015. Collection method: clinical testing. Allele origin: germline. Affected: yes.
ClinVar note: Notes: This submission was flagged because its interpretation of this variant conflicts with the ClinGen Gene Dosage Map curation for the gene RAD51D.
ClinVar note: Reason: Conflict with ClinGen Gene Dosage Map

Single allele

Genes: CCL1 (C-C motif chemokine ligand 1; minus strand), FNDC8 (fibronectin type III domain containing 8; plus strand), CCL11 (C-C motif chemokine ligand 11; plus strand), CCL8 (C-C motif chemokine ligand 8; plus strand), CCL13 (C-C motif chemokine ligand 13; plus strand) and 13 more. Cytogenetic location: 17q12.
Variant type: Deletion.
Identifiers: ClinVar variation 635886 (VCV000635886.2).